The following is an entry in ClinVar:

NM_000132.4(F8):c.5923A>T (p.Ile1975Phe)

Gene: F8 (coagulation factor VIII; minus strand). Cytogenetic location: Xq28.
Variant type: single nucleotide variant.
Coding change: c.5923A>T on transcript NM_000132.4 (MANE Select); coding-DNA position 5923, A replaced by T.
Protein change: p.Ile1975Phe; replaces isoleucine 1975 with phenylalanine.
Molecular consequence: missense variant.
Genome position (GRCh38, 1-based): chrX:154,903,981, T>A on the plus strand (A>T on the coding strand, the complement: F8 is on the minus strand). VCF-style: chrX-154903981-T-A. GRCh37 (hg19) VCF-style: chrX-154132256-T-A.
Other names: short protein forms I1975F.
Identifiers: ClinVar variation 5004633 (VCV005004633.1).

ClinVar aggregate classification (germline): Uncertain significance (1 of 4 stars; one submission).

Conditions:
Hereditary factor VIII deficiency disease (HEMA). Also called: AUTOSOMAL HEMOPHILIA A; HEMOPHILIA, CLASSIC; Hemophilia A, congenital; HEM A; Factor 8 deficiency, congenital; Hemophilia A. Identifiers: Orphanet 98878, MedGen C0019069, MONDO:0010602, OMIM 306700.

Submission:

Myriad Genetics, Inc.
Classification: Uncertain significance for Hereditary factor VIII deficiency disease. Last evaluated: 2026-05-12. Review status: criteria provided, single submitter. Criteria: Myriad Autosomal Dominant, Autosomal Recessive and X-Linked Classification Criteria (2023). Collection method: clinical testing. Allele origin: unknown.
Comment: NM_000132.3(F8):c.5923A>T(I1975F) is a missense variant classified as a variant of uncertain significance in the context of hemophilia A. I1975F has been observed in a case with relevant disease (PMID: 29296726). Relevant functional assessments of this variant are not available in the literature. I1975F has not been observed in referenced population frequency databases. In summary, there is insufficient evidence to classify NM_000132.3(F8):c.5923A>T(I1975F) as pathogenic or benign. Please note: this variant was assessed in the context of healthy population screening.

Literature cited by the submitters: PubMed 29296726.